The following is an entry in ClinVar:

ClinVar aggregate classification (germline): Uncertain significance. Review status: criteria provided, single submitter (1 of 4 stars). 2 submissions from 2 submitters: Uncertain significance (1). 1 of the submissions does not count toward it. Last evaluated 2024-01-16.

Conditions:
SLC9A1-related disorder. Also called: SLC9A1-related condition.

Allele frequency attached by ClinVar (database versions not stated): gnomAD exomes 0.00001; gnomAD 0.00002; TOPMed 0.00003.

Submissions (2):

Ambry Genetics
Classification: Uncertain significance. Last evaluated: 2024-01-16. Review status: criteria provided, single submitter. Criteria: Ambry Variant Classification Scheme 2023. Collection method: clinical testing. Allele origin: germline.

PreventionGenetics, part of Exact Sciences
Classification: Uncertain significance for SLC9A1-related condition. Last evaluated: 2024-01-03. Review status: no assertion criteria provided. Collection method: clinical testing. Allele origin: germline. Not counted in ClinVar's aggregate classification.
Comment: The SLC9A1 c.2062G>T variant is predicted to result in the amino acid substitution p.Ala688Ser. To our knowledge, this variant has not been reported in the literature. This variant is reported in 0.012% of alleles in individuals of African descent in gnomAD. At this time, the clinical significance of this variant is uncertain due to the absence of conclusive functional and genetic evidence.

NM_003047.5(SLC9A1):c.2062G>T (p.Ala688Ser)

Gene: SLC9A1 (solute carrier family 9 member A1; minus strand). Cytogenetic location: 1p36.11.
Variant type: single nucleotide variant.
Coding change: c.2062G>T on transcript NM_003047.5 (MANE Select); coding-DNA position 2062, G replaced by T.
Protein change: p.Ala688Ser; replaces alanine 688 with serine.
Molecular consequence: missense variant. On other transcripts: non-coding transcript variant (1).
Genome position (GRCh38, 1-based): chr1:27,101,251, C>A on the plus strand (G>T on the coding strand, the complement: SLC9A1 is on the minus strand). VCF-style: chr1-27101251-C-A. GRCh37 (hg19) VCF-style: chr1-27427742-C-A.
Other names: c.2062G>T (NM_003047.3); short protein forms A688S.
Identifiers: ClinVar variation 3057630 (VCV003057630.3), dbSNP rs1047569723, ClinGen allele CA19833870.